The following is an entry in ClinVar:

ClinVar aggregate classification (germline): Uncertain significance. Review status: criteria provided, multiple submitters, no conflicts (2 of 4 stars). 2 submissions from 2 submitters: Uncertain significance (2). Last evaluated 2025-07-01.

Conditions:
Hereditary cancer-predisposing syndrome. Also called: Hereditary neoplastic syndrome; Tumor predisposition; Hereditary Cancer Syndrome; Neoplastic Syndromes, Hereditary. Identifiers: Orphanet 140162, MedGen C0027672, MeSH D009386, MONDO:0015356.
Microcephaly, normal intelligence and immunodeficiency (NBS). Also called: BERLIN BREAKAGE SYNDROME; SEEMANOVA SYNDROME II; Ataxia telangiectasia variant V1; IMMUNODEFICIENCY, MICROCEPHALY, AND CHROMOSOMAL INSTABILITY; Immunodeficiency, microcephaly with normal intelligence; Nijmegen breakage syndrome. Identifiers: Orphanet 647, MedGen C0398791, MONDO:0009623, OMIM 251260.

Submissions (2):

Ambry Genetics
Classification: Uncertain significance for Hereditary cancer-predisposing syndrome. Last evaluated: 2025-07-01. Review status: criteria provided, single submitter. Criteria: Ambry Variant Classification Scheme 2023. Collection method: clinical testing. Allele origin: germline.
Comment: The p.M553L variant (also known as c.1657A>T), located in coding exon 11 of the NBN gene, results from an A to T substitution at nucleotide position 1657. The methionine at codon 553 is replaced by leucine, an amino acid with highly similar properties. This amino acid position is conserved. In addition, this alteration is predicted to be tolerated by in silico analysis. Based on the available evidence, the clinical significance of this variant remains unclear.

Labcorp Genetics (formerly Invitae), Labcorp
Classification: Uncertain significance for Microcephaly, normal intelligence and immunodeficiency. Last evaluated: 2021-08-28. Review status: criteria provided, single submitter. Criteria: Invitae Variant Classification Sherloc (09022015). Collection method: clinical testing. Allele origin: germline.
Comment: This sequence change replaces methionine with leucine at codon 553 of the NBN protein (p.Met553Leu). The methionine residue is weakly conserved and there is a small physicochemical difference between methionine and leucine. This variant is not present in population databases (ExAC no frequency). This variant has not been reported in the literature in individuals affected with NBN-related conditions. Algorithms developed to predict the effect of missense changes on protein structure and function (SIFT, PolyPhen-2, Align-GVGD) all suggest that this variant is likely to be tolerated. In summary, the available evidence is currently insufficient to determine the role of this variant in disease. Therefore, it has been classified as a Variant of Uncertain Significance.

NM_002485.5(NBN):c.1657A>T (p.Met553Leu)

Gene: NBN (nibrin; minus strand). Cytogenetic location: 8q21.3.
Variant type: single nucleotide variant.
Coding change: c.1657A>T on transcript NM_002485.5 (MANE Select); coding-DNA position 1657, A replaced by T.
Protein change: p.Met553Leu; replaces methionine 553 with leucine.
Molecular consequence: missense variant.
Genome position (GRCh38, 1-based): chr8:89,953,432, T>A on the plus strand (A>T on the coding strand, the complement: NBN is on the minus strand). VCF-style: chr8-89953432-T-A. GRCh37 (hg19) VCF-style: chr8-90965660-T-A.
Other names: c.1411A>T, p.Met471Leu (NM_001024688.3); short protein forms M553L, M471L.
Identifiers: ClinVar variation 578384 (VCV000578384.7), dbSNP rs746347634, ClinGen allele CA371655384.